The following is an entry in ClinVar:

NM_001889.4(CRYZ):c.527T>G (p.Ile176Ser)

Gene: CRYZ (crystallin zeta; minus strand). Cytogenetic location: 1p31.1.
Variant type: single nucleotide variant.
Coding change: c.527T>G on transcript NM_001889.4 (MANE Select); coding-DNA position 527, T replaced by G.
Protein change: p.Ile176Ser; replaces isoleucine 176 with serine.
Molecular consequence: missense variant.
Genome position (GRCh38, 1-based): chr1:74,710,201, A>C on the plus strand (T>G on the coding strand, the complement: CRYZ is on the minus strand). VCF-style: chr1-74710201-A-C. GRCh37 (hg19) VCF-style: chr1-75175885-A-C.
Other names: c.527T>G, p.Ile176Ser (NM_001130042.2, NM_001130043.2); c.116T>G, p.Ile39Ser (NM_001134759.2); short protein forms I39S, I176S.
Identifiers: ClinVar variation 4991796 (VCV004991796.1).
Genomic context (GRCh38, chr1:74,710,201, plus strand): 5'-TCATGGGCTCCATTTTGCAAAACAATCTTTTGTCCTTCCTCAGTACCAGCAGTGCCCAAA[A>C]TCTTTAAGCCATAAGCTCTAGCAATTTGGCATGCTGCTAATCCAACCTGAAAAACAAATA-3'
Protein context (NP_001880.2, residues 166-186): CQIARAYGLK[Ile176Ser]LGTAGTEEGQ

ClinVar aggregate classification (germline): Uncertain significance (1 of 4 stars; one submission).

Conditions:
CRYZ-related disorder. Also called: CRYZ-related condition.

Submission:

PreventionGenetics, part of Exact Sciences
Classification: Uncertain significance for CRYZ-related condition. Last evaluated: 2026-03-09. Review status: criteria provided, single submitter. Criteria: ACMG Guidelines, 2015. Collection method: clinical testing. Allele origin: germline.
Comment: The CRYZ c.527T>G variant is predicted to result in the amino acid substitution p.Ile176Ser. To our knowledge, this variant has not been reported in the literature or in a large population database (gnomAD), indicating this variant is rare. At this time, the clinical significance of this variant is uncertain due to the absence of conclusive functional and genetic evidence.